The following is an entry in ClinVar:

NM_020750.3(XPO5):c.1505A>C (p.Gln502Pro)

Genes: POLR1C (RNA polymerase I and III subunit C; plus strand), XPO5 (exportin 5; minus strand). Cytogenetic location: 6p21.1.
Variant type: single nucleotide variant.
Coding change: c.1505A>C on transcript NM_020750.3 (MANE Select); coding-DNA position 1505, A replaced by C.
Protein change: p.Gln502Pro; replaces glutamine 502 with proline.
Molecular consequence: missense variant. On other transcripts: non-coding transcript variant (1), intron variant (1).
Genome position (GRCh38, 1-based): chr6:43,553,440, T>G on the plus strand (A>C on the coding strand, the complement: XPO5 is on the minus strand). VCF-style: chr6-43553440-T-G. GRCh37 (hg19) VCF-style: chr6-43521177-T-G.
Other names: c.*42+2429T>G (NM_001363658.2); short protein forms Q502P.
Identifiers: ClinVar variation 2416665 (VCV002416665.42), dbSNP rs370740144, ClinGen allele CA3826390.

ClinVar aggregate classification (germline): Uncertain significance (1 of 4 stars; one submission).

Allele frequency attached by ClinVar (database versions not stated): ESP Exome Variant Server 0.00008; ExAC 0.00002.
gnomAD v4.1: 3 of 1,597,784 alleles (0.00019%); highest among the groups gnomAD compares: Non-Finnish European, 0.00026%; no homozygotes.

Submission:

Labcorp Genetics (formerly Invitae), Labcorp
Classification: Uncertain significance. Last evaluated: 2023-08-04. Review status: criteria provided, single submitter. Criteria: Invitae Variant Classification Sherloc (09022015). Collection method: clinical testing. Allele origin: germline.
Comment: In summary, the available evidence is currently insufficient to determine the role of this variant in disease. Therefore, it has been classified as a Variant of Uncertain Significance. Algorithms developed to predict the effect of sequence changes on RNA splicing suggest that this variant may disrupt the consensus splice site. An algorithm developed to predict the effect of missense changes on protein structure and function (PolyPhen-2) suggests that this variant is likely to be disruptive. ClinVar contains an entry for this variant (Variation ID: 2416665). This variant has not been reported in the literature in individuals affected with XPO5-related conditions. This variant is present in population databases (rs370740144, gnomAD 0.002%). This sequence change replaces glutamine, which is neutral and polar, with proline, which is neutral and non-polar, at codon 502 of the XPO5 protein (p.Gln502Pro).